The following is an entry in ClinVar:

NM_001943.5(DSG2):c.682G>T (p.Asp228Tyr)

Gene: DSG2 (desmoglein 2; plus strand). Cytogenetic location: 18q12.1.
Variant type: single nucleotide variant.
Coding change: c.682G>T on transcript NM_001943.5 (MANE Select); coding-DNA position 682, G replaced by T.
Protein change: p.Asp228Tyr; replaces aspartic acid 228 with tyrosine.
Molecular consequence: missense variant.
Genome position (GRCh38, 1-based): chr18:31,522,241, G>T. VCF-style: chr18-31522241-G-T. GRCh37 (hg19) VCF-style: chr18-29102204-G-T.
Other names: short protein forms D228Y.
Identifiers: ClinVar variation 3386578 (VCV003386578.1).

ClinVar aggregate classification (germline): Uncertain significance (1 of 4 stars; one submission).

Conditions:
Arrhythmogenic right ventricular cardiomyopathy (ARVD). Also called: Arrhythmogenic right ventricular dysplasia; Cardiomyopathy, ARVC; Arrhythmogenic cardiomyopathy; Arrhythmogenic Right Ventricular Cardiomyopathy (ARVC). Identifiers: Orphanet 247, MedGen C0349788, MeSH D019571, MONDO:0016587. Disease mechanism: loss of function. Inheritance: Various modes of inheritance.

Submission:

All of Us Research Program, National Institutes of Health
Classification: Uncertain significance for Arrhythmogenic right ventricular cardiomyopathy. Last evaluated: 2024-03-24. Review status: criteria provided, single submitter. Criteria: ACMG Guidelines, 2015. Collection method: clinical testing. Allele origin: germline. Inheritance: Autosomal dominant inheritance. Observed: 1 variant allele, 1 heterozygote.
Comment: This missense variant replaces aspartic acid with tyrosine at codon 228 of the DSG2 protein. Computational prediction suggests that this variant may have deleterious impact on protein structure and function (internally defined REVEL score threshold >= 0.7, PMID: 27666373). To our knowledge, functional studies have not been reported for this variant. This variant has not been reported in individuals affected with DSG2-related disorders in the literature. This variant has not been identified in the general population by the Genome Aggregation Database (gnomAD). The available evidence is insufficient to determine the role of this variant in disease conclusively. Therefore, this variant is classified as a Variant of Uncertain Significance.

This study involves interpretation of variants in research participants for the purpose of population health screening. Participant phenotype was not available at the time of variant classification. Additional details can be found in publication PMID: 35346344, PMCID: PMC8962531